The following is an entry in ClinVar:

NM_001123385.2(BCOR):c.2512C>T (p.Pro838Ser)

Gene: BCOR (BCL6 corepressor; minus strand). Cytogenetic location: Xp11.4.
Variant type: single nucleotide variant.
Coding change: c.2512C>T on transcript NM_001123385.2 (MANE Select); coding-DNA position 2512, C replaced by T.
Protein change: p.Pro838Ser; replaces proline 838 with serine.
Molecular consequence: missense variant.
Genome position (GRCh38, 1-based): chrX:40,072,834, G>A on the plus strand (C>T on the coding strand, the complement: BCOR is on the minus strand). VCF-style: chrX-40072834-G-A. GRCh37 (hg19) VCF-style: chrX-39932087-G-A.
Other names: c.2512C>T, p.Pro838Ser (NM_001123383.2, NM_001123384.2, NM_017745.6); short protein forms P838S.
Identifiers: ClinVar variation 1165085 (VCV001165085.12), dbSNP rs148571491, ClinGen allele CA10386779.

ClinVar aggregate classification (germline): Benign/Likely benign. Review status: criteria provided, multiple submitters, no conflicts (2 of 4 stars). 3 submissions from 3 submitters: Benign (1); Likely benign (1). 1 of the submissions does not count toward it. Last evaluated 2025-06-02.

Conditions:
Oculofaciocardiodental syndrome (MCOPS2). Identifiers: Orphanet 2712, MedGen C1846265, MONDO:0010261, OMIM 300166.
BCOR-related disorder. Also called: BCOR-related disorders; BCOR-related condition.

Allele frequency attached by ClinVar (database versions not stated): TOPMed 0.00001; gnomAD 0.00003; gnomAD exomes 0.00004 and 0.00010; ExAC 0.00016; ESP Exome Variant Server 0.00019.
gnomAD v4.1: 42 of 1,209,825 alleles (0.0035%); highest among the groups gnomAD compares: Non-Finnish European, 0.0046%; no homozygotes.

Submissions (3):

Labcorp Genetics (formerly Invitae), Labcorp
Classification: Benign for Oculofaciocardiodental syndrome. Last evaluated: 2025-06-02. Review status: criteria provided, single submitter. Criteria: Invitae Variant Classification Sherloc (09022015). Collection method: clinical testing. Allele origin: germline.

Laboratory of Genetics, Children's Clinical University Hospital Latvia
Classification: Likely benign. Last evaluated: 2025-02-16. Review status: criteria provided, single submitter. Criteria: ACMG Guidelines, 2015. Collection method: clinical testing. Allele origin: germline. Affected: yes.

PreventionGenetics, part of Exact Sciences
Classification: Likely benign for BCOR-related condition. Last evaluated: 2020-05-12. Review status: no assertion criteria provided. Collection method: clinical testing. Allele origin: germline. Not counted in ClinVar's aggregate classification.
Comment: This variant is classified as likely benign based on ACMG/AMP sequence variant interpretation guidelines (Richards et al. 2015 PMID: 25741868, with internal and published modifications).